The following is an entry in ClinVar:

ClinVar aggregate classification (germline): Pathogenic (1 of 4 stars; one submission).

Conditions:
Familial exudative vitreoretinopathy. Identifiers: Orphanet 891, MedGen C0339539, MeSH D000080345, MONDO:0019516.

Submission:

Women's Health and Genetics/Laboratory Corporation of America, LabCorp
Classification: Pathogenic for Familial exudative vitreoretinopathy. Last evaluated: 2023-01-10. Review status: criteria provided, single submitter. Criteria: LabCorp Variant Classification Summary - May 2015. Collection method: clinical testing. Allele origin: germline.
Comment: Variant summary: The variant identified by MLPA or other technology involves the deletion of exons 1-23, encompassing the entire coding region of the LRP5 gene. A presumed nomenclature of c.(?_-107)_(*206_?)del has been designated for the purposes of this classification. Although exact breakpoints of this CNV are not known, it is expected to result in whole gene deletion of LRP5, a gene in which loss of function is a known mechanism of disease. The variant was absent in 21694 control chromosomes (gnomAD, structural variants dataset). To our knowledge, no occurrence of c.(?_-107)_(*206_?)del in individuals affected with LRP5-related disorders and no experimental evidence demonstrating its impact on protein function have been reported. No clinical diagnostic laboratories have submitted clinical-significance assessments for this variant to ClinVar after 2014. Based on the evidence outlined above, the variant was classified as pathogenic.

NC_000011.9:g.(?_68080076)_(68216744_?)del

Gene: LRP5 (LDL receptor related protein 5; plus strand). Cytogenetic location: 11q13.2.
Variant type: Deletion.
Identifiers: ClinVar variation 2429188 (VCV002429188.2).